The following is an entry in ClinVar:

NM_004564.3(GATB):c.962+9G>A

Gene: GATB (glutamyl-tRNA amidotransferase subunit B; minus strand). Cytogenetic location: 4q31.3.
Variant type: single nucleotide variant.
Coding change: c.962+9G>A on transcript NM_004564.3 (MANE Select); 9 bases into the intron after coding-DNA position 962, G replaced by A.
Molecular consequence: intron variant.
Genome position (GRCh38, 1-based): chr4:151,705,176, C>T on the plus strand (G>A on the coding strand, the complement: GATB is on the minus strand). VCF-style: chr4-151705176-C-T. GRCh37 (hg19) VCF-style: chr4-152626328-C-T.
Other names: c.962+9G>A (NM_001363341.2, NM_004564.2).
Identifiers: ClinVar variation 4968831 (VCV004968831.2).

ClinVar aggregate classification (germline): Likely benign. Review status: criteria provided, multiple submitters, no conflicts (2 of 4 stars). 2 submissions from 2 submitters: Likely benign (2). Last evaluated 2026-04-17.

Conditions:
GATB-related disorder. Also called: GATB-related condition.

gnomAD v4.1: 285 of 1,605,540 alleles (0.018%); highest among the groups gnomAD compares: East Asian, 0.21%; 6 homozygotes.

Submissions (2):

PreventionGenetics, part of Exact Sciences
Classification: Likely benign for GATB-related condition. Last evaluated: 2026-04-17. Review status: criteria provided, single submitter. Criteria: ACMG Guidelines, 2015. Collection method: clinical testing. Allele origin: germline.
Comment: This variant is classified as likely benign based on ACMG/AMP sequence variant interpretation guidelines (Richards et al. 2015 PMID: 25741868, with internal and published modifications).

Blueprint Genetics
Classification: Likely benign. Last evaluated: 2024-11-20. Review status: criteria provided, single submitter. Criteria: ACMG Guidelines, 2015. Collection method: clinical testing. Allele origin: germline.